The following is an entry in ClinVar:

ClinVar aggregate classification (germline): Benign/Likely benign. Review status: criteria provided, multiple submitters, no conflicts (2 of 4 stars). 8 submissions from 8 submitters: Benign (7); Likely benign (1). Last evaluated 2026-02-04.

Conditions:
Primary ciliary dyskinesia 25 (CILD25). Also called: CILIARY DYSKINESIA, PRIMARY, 25, WITH OR WITHOUT SITUS INVERSUS. Identifiers: Orphanet 244, MedGen C3809641, MONDO:0014203, OMIM 615482.

Allele frequency attached by ClinVar (database versions not stated): 1000 Genomes Project 0.52835; gnomAD exomes 0.56519; ExAC 0.58383; ESP Exome Variant Server 0.45149; gnomAD 0.47545 and 0.48306; TOPMed 0.48665; 1000 Genomes Project 30x 0.52374.
gnomAD v4.1: 816,702 of 1,580,218 alleles (52%); highest among the groups gnomAD compares: East Asian, 74%; 215,443 homozygotes.

Submissions (8):

Labcorp Genetics (formerly Invitae), Labcorp
Classification: Benign. Last evaluated: 2026-02-04. Review status: criteria provided, single submitter. Criteria: Invitae Variant Classification Sherloc (09022015). Collection method: clinical testing. Allele origin: germline.

Blueprint Genetics
Classification: Likely benign. Last evaluated: 2024-11-27. Review status: criteria provided, single submitter. Criteria: ACMG Guidelines, 2015. Collection method: clinical testing. Allele origin: germline.

Mayo Clinic Laboratories, Mayo Clinic
Classification: Benign. Last evaluated: 2022-04-26. Review status: criteria provided, single submitter. Criteria: ACMG Guidelines, 2015. Collection method: clinical testing. Allele origin: germline. Observed: 153 variant alleles.

Genome-Nilou Lab
Classification: Benign for Primary ciliary dyskinesia 25. Last evaluated: 2021-07-30. Review status: criteria provided, single submitter. Criteria: ACMG Guidelines, 2015. Collection method: clinical testing. Allele origin: germline. Affected: no.

GeneDx
Classification: Benign. Last evaluated: 2018-11-28. Review status: criteria provided, single submitter. Criteria: GeneDx Variant Classification Process June 2021. Collection method: clinical testing. Allele origin: germline. Affected: yes.

Laboratory for Molecular Medicine, Mass General Brigham Personalized Medicine
Classification: Benign. Last evaluated: 2016-03-29. Review status: criteria provided, single submitter. Criteria: LMM Criteria. Collection method: clinical testing. Allele origin: germline.
Comment: Variant identified in a genome or exome case(s) and assessed due to predicted null impact of the variant or pathogenic assertions in the literature or databases. Disclaimer: This variant has not undergone full assessment. The following are preliminary notes: Frequency

Breakthrough Genomics
Classification: Benign. Review status: criteria provided, single submitter. Criteria: ACMG Guidelines, 2015. Collection method: not provided. Allele origin: germline. Inheritance: Autosomal recessive inheritance. Affected: yes.

PreventionGenetics, part of Exact Sciences
Classification: Benign. Review status: criteria provided, single submitter. Criteria: ACMG Guidelines, 2015. Collection method: clinical testing. Allele origin: germline.

NM_130810.4(DNAAF4):c.572A>G (p.Glu191Gly)

Genes: DNAAF4 (dynein axonemal assembly factor 4; minus strand), DNAAF4-CCPG1 (DNAAF4-CCPG1 readthrough (NMD candidate); minus strand). Cytogenetic location: 15q21.3.
Variant type: single nucleotide variant.
Coding change: c.572A>G on transcript NM_130810.4 (MANE Select); coding-DNA position 572, A replaced by G.
Protein change: p.Glu191Gly; replaces glutamic acid 191 with glycine.
Molecular consequence: missense variant. On other transcripts: non-coding transcript variant (1).
Genome position (GRCh38, 1-based): chr15:55,466,995, T>C on the plus strand (A>G on the coding strand, the complement: DNAAF4 is on the minus strand). VCF-style: chr15-55466995-T-C. GRCh37 (hg19) VCF-style: chr15-55759193-T-C.
Other names: c.572A>G, p.Glu191Gly (NM_001033559.3, NM_001033560.2); short protein forms E191G.
Identifiers: ClinVar variation 262315 (VCV000262315.20), dbSNP rs600753, ClinGen allele CA7575015.